The following is an entry in ClinVar:

ClinVar aggregate classification (germline): Uncertain significance. Review status: criteria provided, multiple submitters, no conflicts (2 of 4 stars). 2 submissions from 2 submitters: Uncertain significance (2). Last evaluated 2023-12-11.

Conditions:
Inborn genetic diseases. Identifiers: MedGen C0950123, MeSH D030342.

Allele frequency attached by ClinVar (database versions not stated): ExAC 0.00001; gnomAD 0.00001 and 0.00002; TOPMed 0.00002.
gnomAD v4.1: 14 of 1,613,980 alleles (0.00087%); highest among the groups gnomAD compares: South Asian, 0.0044%; no homozygotes.

Submissions (2):

Ambry Genetics
Classification: Uncertain significance for Inborn genetic diseases. Last evaluated: 2023-12-11. Review status: criteria provided, single submitter. Criteria: Ambry Variant Classification Scheme 2023. Collection method: clinical testing. Allele origin: germline.

Labcorp Genetics (formerly Invitae), Labcorp
Classification: Uncertain significance. Last evaluated: 2021-07-17. Review status: criteria provided, single submitter. Criteria: Invitae Variant Classification Sherloc (09022015). Collection method: clinical testing. Allele origin: germline.
Comment: This variant has not been reported in the literature in individuals affected with DTNBP1-related conditions. In summary, the available evidence is currently insufficient to determine the role of this variant in disease. Therefore, it has been classified as a Variant of Uncertain Significance. Algorithms developed to predict the effect of missense changes on protein structure and function (SIFT, PolyPhen-2, Align-GVGD) all suggest that this variant is likely to be disruptive. This variant is present in population databases (rs781226754, ExAC no frequency). This sequence change replaces aspartic acid with glutamic acid at codon 322 of the DTNBP1 protein (p.Asp322Glu). The aspartic acid residue is highly conserved and there is a small physicochemical difference between aspartic acid and glutamic acid.

NM_032122.5(DTNBP1):c.966T>G (p.Asp322Glu)

Gene: DTNBP1 (dystrobrevin binding protein 1; minus strand). Cytogenetic location: 6p22.3.
Variant type: single nucleotide variant.
Coding change: c.966T>G on transcript NM_032122.5 (MANE Select); coding-DNA position 966, T replaced by G.
Protein change: p.Asp322Glu; replaces aspartic acid 322 with glutamic acid.
Molecular consequence: missense variant.
Genome position (GRCh38, 1-based): chr6:15,523,065, A>C on the plus strand (T>G on the coding strand, the complement: DTNBP1 is on the minus strand). VCF-style: chr6-15523065-A-C. GRCh37 (hg19) VCF-style: chr6-15523296-A-C.
Other names: c.723T>G, p.Asp241Glu (NM_001271667.2); c.915T>G, p.Asp305Glu (NM_001271668.2); c.861T>G, p.Asp287Glu (NM_001271669.2); c.966T>G (NM_032122.4); short protein forms D322E, D241E, D287E, D305E.
Identifiers: ClinVar variation 1445968 (VCV001445968.7), dbSNP rs781226754, ClinGen allele CA3643666.